The following is an entry in ClinVar:

NM_001126108.2(SLC12A3):c.1196_1202dup (p.Ala401_Ser402insTer)

Gene: SLC12A3 (solute carrier family 12 member 3; plus strand). Cytogenetic location: 16q13.
Variant type: Duplication.
Coding change: c.1196_1202dup on transcript NM_001126108.2 (MANE Select); coding-DNA positions 1196 to 1202, 7 bases duplicated (GTGATGC; older notation c.1196_1202dupGTGATGC).
Protein change: p.Ala401_Ser402insTer.
Molecular consequence: nonsense, inframe insertion.
Genome position (GRCh38, 1-based): chr16:56,879,088-56,879,094, GTGATGC duplicated; duplicating any 7 consecutive bases within chr16:56,879,085-56,879,094 gives the same sequence; the c. name uses the placement nearest the transcript's 3' end. VCF-style (leftmost placement, unchanged base first): chr16-56879084-G-GTGCGTGA. GRCh37 (hg19) VCF-style: chr16-56912996-G-GTGCGTGA.
Other names: c.1196_1202dup, p.Ala401_Ser402insTer (NM_000339.3); c.1193_1199dup, p.Ala400_Ser401insTer (NM_001126107.2); c.1196_1202dupGTGATGC (NM_000339.2).
Identifiers: ClinVar variation 946522 (VCV000946522.16), dbSNP rs751871500, ClinGen allele CA8069394.

ClinVar aggregate classification (germline): Pathogenic. Review status: criteria provided, multiple submitters, no conflicts (2 of 4 stars). 7 submissions from 7 submitters: Pathogenic (7). Last evaluated 2026-04-16.

Conditions:
SLC12A3-related disorder. Also called: SLC12A3-related condition.
Familial hypokalemia-hypomagnesemia (GTLMNS). Also called: gitelman syndrome; POTASSIUM AND MAGNESIUM DEPLETION; HYPOMAGNESEMIA-HYPOKALEMIA, PRIMARY RENOTUBULAR, WITH HYPOCALCIURIA. Identifiers: Orphanet 358, MedGen C0268450, MONDO:0009904, OMIM 263800.
Renal tubulopathies.

Submissions (7):

Genetics Laboratory, Great Ormond Street Hospital NHS Foundation Trust, North Thames Genomic Laboratory Hub
Classification: Pathogenic for Renal tubulopathies. Last evaluated: 2026-04-16. Review status: criteria provided, single submitter. Criteria: ACGS Best Practice Guidelines for Variant Classification in Rare Disease 2024 v1.2. Collection method: clinical testing. Allele origin: germline. Affected: yes.
Comment: PM2_moderate, PVS1_very-strong, PM3_strong

Natera, Inc.
Classification: Pathogenic for Gitelman syndrome. Last evaluated: 2025-07-10. Review status: criteria provided, single submitter. Criteria: Natera Variant Classification Schema (03/2026). Collection method: clinical testing. Allele origin: germline.
Comment: The c.1196_1202dupGTGATGC variant in SLC12A3 is a frameshift variant predicted to shift the reading frame and introduce a stop codon. This variant is expected to result in nonsense mediated decay, truncation, or a dysfunctional protein product. This variant is rare in the general population with a frequency below the threshold expected for the associated phenotype(s). This variant has been observed in one or more individuals affected with the associated recessive disease, as either homozygous or compound heterozygous with a second variant (PMID: 20675610). Given the available evidence, this variant is classified as Pathogenic.

Labcorp Genetics (formerly Invitae), Labcorp
Classification: Pathogenic. Last evaluated: 2024-12-12. Review status: criteria provided, single submitter. Criteria: Invitae Variant Classification Sherloc (09022015). Collection method: clinical testing. Allele origin: germline.
Comment: This sequence change creates a premature translational stop signal (p.Ser402*) in the SLC12A3 gene. It is expected to result in an absent or disrupted protein product. Loss-of-function variants in SLC12A3 are known to be pathogenic (PMID: 20848653, 22009145, 25841442). This variant is present in population databases (rs751871500, gnomAD 0.007%). This premature translational stop signal has been observed in individual(s) with Gitelman syndrome (PMID: 8900229, 30596175). This variant is also known as 1228insGTGATGC. ClinVar contains an entry for this variant (Variation ID: 946522). For these reasons, this variant has been classified as Pathogenic.

Fulgent Genetics
Classification: Pathogenic for Familial hypokalemia-hypomagnesemia. Last evaluated: 2024-06-12. Review status: criteria provided, single submitter. Criteria: ACMG Guidelines, 2015. Collection method: clinical testing. Allele origin: germline.

Blueprint Genetics
Classification: Pathogenic for SLC12A3-related disorders. Last evaluated: 2024-04-19. Review status: criteria provided, single submitter. Criteria: ACMG Guidelines, 2015. Collection method: clinical testing. Allele origin: germline. Affected: yes. Observed: 4 variant alleles.

GeneDx
Classification: Pathogenic. Last evaluated: 2024-03-14. Review status: criteria provided, single submitter. Criteria: GeneDx Variant Classification Process June 2021. Collection method: clinical testing. Allele origin: germline. Affected: yes.
Comment: Identified in multiple unrelated patients with autosomal recessive Gitelman syndrome referred for genetic testing at GeneDx and in published literature (PMID: 8900229, 20675610); Nonsense variant predicted to result in protein truncation or nonsense mediated decay in a gene for which loss-of-function is a known mechanism of disease; This variant is associated with the following publications: (PMID: 20552229, 30596175, 8900229, 20675610, 22990302, 25422309, 31672324, 34746741)

European Hospital Georges Pompidou Genetics Department, Assistance Publique - Hôpitaux de Paris AP-HP
Classification: Pathogenic for Familial hypokalemia-hypomagnesemia. Last evaluated: 2022-04-27. Review status: criteria provided, single submitter. Criteria: ACMG Guidelines, 2015. Collection method: clinical testing. Allele origin: germline. Affected: yes.
Comment: ACMG criteria used:PVS1, PM1, PM2, PM4, PP5

Literature cited by the submitters: PubMed 20675610 (cited by Natera, Inc.); PubMed 20848653 (cited by Labcorp Genetics (formerly Invitae), Labcorp); PubMed 22009145 (cited by Labcorp Genetics (formerly Invitae), Labcorp); PubMed 25841442 (cited by Labcorp Genetics (formerly Invitae), Labcorp); PubMed 8900229 (cited by Labcorp Genetics (formerly Invitae), Labcorp); PubMed 30596175 (cited by Labcorp Genetics (formerly Invitae), Labcorp).